The following is an entry in ClinVar:

ClinVar aggregate classification (germline): Conflicting classifications of pathogenicity. Review status: criteria provided, conflicting classifications (1 of 4 stars). 2 submissions from 2 submitters: Uncertain significance (1); Likely benign (1). Last evaluated 2026-05-18.

Conditions:
Hereditary cancer-predisposing syndrome. Also called: Tumor predisposition; Hereditary Cancer Syndrome; Neoplastic Syndromes, Hereditary; Hereditary neoplastic syndrome. Identifiers: Orphanet 140162, MedGen C0027672, MeSH D009386, MONDO:0015356.
Hereditary diffuse gastric adenocarcinoma (HDGC). Also called: DIFFUSE GASTRIC AND LOBULAR BREAST CANCER SYNDROME. Identifiers: Orphanet 26106, MedGen C1708349, MONDO:0007648, OMIM 137215.

Allele frequency attached by ClinVar (database versions not stated): gnomAD exomes below 0.00001.
gnomAD v4.1: 1 of 1,614,126 alleles (0.000062%); highest among the groups gnomAD compares: Non-Finnish European, 0.000085%; no homozygotes.

Submissions (2):

Ambry Genetics
Classification: Likely benign for Hereditary cancer-predisposing syndrome. Last evaluated: 2026-05-18. Review status: criteria provided, single submitter. Criteria: Ambry Variant Classification Scheme 2023. Collection method: clinical testing. Allele origin: germline.

Labcorp Genetics (formerly Invitae), Labcorp
Classification: Uncertain significance for Hereditary diffuse gastric adenocarcinoma. Last evaluated: 2024-01-24. Review status: criteria provided, single submitter. Criteria: Invitae Variant Classification Sherloc (09022015). Collection method: clinical testing. Allele origin: germline.
Comment: This sequence change replaces alanine, which is neutral and non-polar, with glycine, which is neutral and non-polar, at codon 617 of the CDH1 protein (p.Ala617Gly). This variant is not present in population databases (gnomAD no frequency). This variant has not been reported in the literature in individuals affected with CDH1-related conditions. ClinVar contains an entry for this variant (Variation ID: 660555). An algorithm developed to predict the effect of missense changes on protein structure and function (PolyPhen-2) suggests that this variant is likely to be tolerated. In summary, the available evidence is currently insufficient to determine the role of this variant in disease. Therefore, it has been classified as a Variant of Uncertain Significance.

NM_004360.5(CDH1):c.1850C>G (p.Ala617Gly)

Gene: CDH1 (cadherin 1; plus strand). Cytogenetic location: 16q22.1.
Variant type: single nucleotide variant.
Coding change: c.1850C>G on transcript NM_004360.5 (MANE Select); coding-DNA position 1850, C replaced by G.
Protein change: p.Ala617Gly; replaces alanine 617 with glycine.
Molecular consequence: missense variant. On other transcripts: 5 prime UTR variant (1).
Genome position (GRCh38, 1-based): chr16:68,822,139, C>G. VCF-style: chr16-68822139-C-G. GRCh37 (hg19) VCF-style: chr16-68856042-C-G.
Other names: c.1850C>G (LRG_301t1); c.1667C>G, p.Ala556Gly (NM_001317184.2); c.302C>G, p.Ala101Gly (NM_001317185.2); c.-116C>G (NM_001317186.2); short protein forms A101G, A556G, A617G.
Identifiers: ClinVar variation 660555 (VCV000660555.12), dbSNP rs1596963675, ClinGen allele CA396467010.